The following is an entry in ClinVar:

NM_004046.6(ATP5F1A):c.191C>G (p.Thr64Ser)

Gene: ATP5F1A (ATP synthase F1 subunit alpha; minus strand). Cytogenetic location: 18q21.1.
Variant type: single nucleotide variant.
Coding change: c.191C>G on transcript NM_004046.6 (MANE Select); coding-DNA position 191, C replaced by G.
Protein change: p.Thr64Ser; replaces threonine 64 with serine.
Molecular consequence: missense variant.
Genome position (GRCh38, 1-based): chr18:46,091,800, G>C on the plus strand (C>G on the coding strand, the complement: ATP5F1A is on the minus strand). VCF-style: chr18-46091800-G-C. GRCh37 (hg19) VCF-style: chr18-43671766-G-C.
Other names: c.41C>G, p.Thr14Ser (NM_001001935.3, NM_001257335.2); c.191C>G, p.Thr64Ser (NM_001001937.2, NM_001257334.2); c.191C>G (NM_001001937.1); short protein forms T14S, T64S.
Identifiers: ClinVar variation 1920223 (VCV001920223.6), dbSNP rs141714299, ClinGen allele CA8950867.

ClinVar aggregate classification (germline): Uncertain significance. Review status: criteria provided, multiple submitters, no conflicts (2 of 4 stars). 2 submissions from 2 submitters: Uncertain significance (2). Last evaluated 2025-08-26.

Conditions:
Inborn genetic diseases. Identifiers: MedGen C0950123, MeSH D030342.

Allele frequency attached by ClinVar (database versions not stated): ExAC 0.00008; gnomAD 0.00010; TOPMed 0.00011; ESP Exome Variant Server 0.00023; 1000 Genomes Project 0.00040; 1000 Genomes Project 30x 0.00047.
gnomAD v4.1: 33 of 1,613,768 alleles (0.002%); highest among the groups gnomAD compares: African/African-American, 0.027%; no homozygotes.

Submissions (2):

Ambry Genetics
Classification: Uncertain significance for Inborn genetic diseases. Last evaluated: 2025-08-26. Review status: criteria provided, single submitter. Criteria: Ambry Variant Classification Scheme 2023. Collection method: clinical testing. Allele origin: germline.

Labcorp Genetics (formerly Invitae), Labcorp
Classification: Uncertain significance. Last evaluated: 2024-11-11. Review status: criteria provided, single submitter. Criteria: Invitae Variant Classification Sherloc (09022015). Collection method: clinical testing. Allele origin: germline.
Comment: This sequence change replaces threonine, which is neutral and polar, with serine, which is neutral and polar, at codon 64 of the ATP5A1 protein (p.Thr64Ser). This variant is present in population databases (rs141714299, gnomAD 0.06%), and has an allele count higher than expected for a pathogenic variant. This variant has not been reported in the literature in individuals affected with ATP5A1-related conditions. ClinVar contains an entry for this variant (Variation ID: 1920223). An algorithm developed to predict the effect of missense changes on protein structure and function (PolyPhen-2) suggests that this variant is likely to be tolerated. In summary, the available evidence is currently insufficient to determine the role of this variant in disease. Therefore, it has been classified as a Variant of Uncertain Significance.